The following is an entry in ClinVar:

NM_030777.4(SLC2A10):c.1009G>A (p.Gly337Arg)

Gene: SLC2A10 (solute carrier family 2 member 10; plus strand). Cytogenetic location: 20q13.12.
Variant type: single nucleotide variant.
Coding change: c.1009G>A on transcript NM_030777.4 (MANE Select); coding-DNA position 1009, G replaced by A.
Protein change: p.Gly337Arg; replaces glycine 337 with arginine.
Molecular consequence: missense variant.
Genome position (GRCh38, 1-based): chr20:46,726,045, G>A. VCF-style: chr20-46726045-G-A. GRCh37 (hg19) VCF-style: chr20-45354684-G-A.
Other names: short protein forms G337R.
Identifiers: ClinVar variation 653077 (VCV000653077.8), dbSNP rs369238826, ClinGen allele CA9892088.

ClinVar aggregate classification (germline): Uncertain significance. Review status: criteria provided, multiple submitters, no conflicts (2 of 4 stars). 2 submissions from 2 submitters: Uncertain significance (2). Last evaluated 2023-12-18.

Conditions:
Arterial tortuosity syndrome (ATORS). Identifiers: Orphanet 3342, MedGen C1859726, MONDO:0008818, OMIM 208050.

Allele frequency attached by ClinVar (database versions not stated): gnomAD exomes below 0.00001; ExAC 0.00001; gnomAD 0.00001; TOPMed 0.00003; ESP Exome Variant Server 0.00008.
gnomAD v4.1: 13 of 1,613,984 alleles (0.00081%); highest among the groups gnomAD compares: African/African-American, 0.0027%; no homozygotes.

Submissions (2):

GeneDx
Classification: Uncertain significance. Last evaluated: 2023-12-18. Review status: criteria provided, single submitter. Criteria: GeneDx Variant Classification Process June 2021. Collection method: clinical testing. Allele origin: germline. Affected: yes.
Comment: Has not been previously published as pathogenic or benign to our knowledge; Not observed at significant frequency in large population cohorts (gnomAD); In silico analysis supports that this missense variant does not alter protein structure/function

Labcorp Genetics (formerly Invitae), Labcorp
Classification: Uncertain significance for Arterial tortuosity syndrome. Last evaluated: 2022-07-19. Review status: criteria provided, single submitter. Criteria: Invitae Variant Classification Sherloc (09022015). Collection method: clinical testing. Allele origin: germline.
Comment: Advanced modeling of protein sequence and biophysical properties (such as structural, functional, and spatial information, amino acid conservation, physicochemical variation, residue mobility, and thermodynamic stability) performed at Invitae indicates that this missense variant is not expected to disrupt SLC2A10 protein function. Algorithms developed to predict the effect of sequence changes on RNA splicing suggest that this variant may create or strengthen a splice site. In summary, the available evidence is currently insufficient to determine the role of this variant in disease. Therefore, it has been classified as a Variant of Uncertain Significance. ClinVar contains an entry for this variant (Variation ID: 653077). This sequence change replaces glycine, which is neutral and non-polar, with arginine, which is basic and polar, at codon 337 of the SLC2A10 protein (p.Gly337Arg). This variant is present in population databases (rs369238826, gnomAD 0.007%). This variant has not been reported in the literature in individuals affected with SLC2A10-related conditions.